The following is an entry in ClinVar:

ClinVar aggregate classification (germline): Conflicting classifications of pathogenicity. Review status: criteria provided, conflicting classifications (1 of 4 stars). 4 submissions from 4 submitters: Uncertain significance (2); Likely benign (2). Last evaluated 2025-10-09.

Conditions:
Inborn genetic diseases. Identifiers: MedGen C0950123, MeSH D030342.
Ullrich congenital muscular dystrophy 2 (UCMD2). Identifiers: Orphanet 75840, MedGen C4225314, MONDO:0014654, OMIM 616470.
Bethlem myopathy 2 (BTHLM2). Identifiers: Orphanet 536516, Orphanet 610, MedGen C4225313, MONDO:0034022, OMIM 616471.

Allele frequency attached by ClinVar (database versions not stated): TOPMed 0.00001; ExAC 0.00002; gnomAD 0.00003; gnomAD exomes 0.00004; ESP Exome Variant Server 0.00008.
gnomAD v4.1: 39 of 1,613,314 alleles (0.0024%); highest among the groups gnomAD compares: African/African-American, 0.0067%; no homozygotes.

Submissions (4):

Labcorp Genetics (formerly Invitae), Labcorp
Classification: Likely benign for Bethlem myopathy 2; Ullrich congenital muscular dystrophy 2. Last evaluated: 2025-10-09. Review status: criteria provided, single submitter. Criteria: Invitae Variant Classification Sherloc (09022015). Collection method: clinical testing. Allele origin: germline.

Revvity Omics, Revvity
Classification: Likely benign. Last evaluated: 2024-08-28. Review status: criteria provided, single submitter. Criteria: ACMG Guidelines, 2015. Collection method: clinical testing. Allele origin: germline.

GeneDx
Classification: Uncertain significance. Last evaluated: 2023-11-22. Review status: criteria provided, single submitter. Criteria: GeneDx Variant Classification Process June 2021. Collection method: clinical testing. Allele origin: germline. Affected: yes.
Comment: In silico analysis supports that this missense variant does not alter protein structure/function; Has not been previously published as pathogenic or benign to our knowledge

Ambry Genetics
Classification: Uncertain significance for Inborn genetic diseases. Last evaluated: 2023-08-22. Review status: criteria provided, single submitter. Criteria: Ambry Variant Classification Scheme 2023. Collection method: clinical testing. Allele origin: germline.

NM_004370.6(COL12A1):c.4196G>A (p.Arg1399His)

Gene: COL12A1 (collagen type XII alpha 1 chain; minus strand). Cytogenetic location: 6q13.
Variant type: single nucleotide variant.
Coding change: c.4196G>A on transcript NM_004370.6 (MANE Select); coding-DNA position 4196, G replaced by A.
Protein change: p.Arg1399His; replaces arginine 1399 with histidine.
Molecular consequence: missense variant.
Genome position (GRCh38, 1-based): chr6:75,148,449, C>T on the plus strand (G>A on the coding strand, the complement: COL12A1 is on the minus strand). VCF-style: chr6-75148449-C-T. GRCh37 (hg19) VCF-style: chr6-75858165-C-T.
Other names: c.704G>A, p.Arg235His (NM_080645.3); short protein forms R235H, R1399H.
Identifiers: ClinVar variation 945425 (VCV000945425.14), dbSNP rs200125060, ClinGen allele CA3893512.